The following is an entry in ClinVar:

ClinVar aggregate classification (germline): Uncertain significance (1 of 4 stars; one submission).

Submission:

GeneDx
Classification: Uncertain significance. Last evaluated: 2025-04-23. Review status: criteria provided, single submitter. Criteria: GeneDx Variant Classification Process June 2021. Collection method: clinical testing. Allele origin: germline.
Comment: Not observed at significant frequency in large population cohorts (gnomAD); In silico analysis supports that this missense variant has a deleterious effect on protein structure/function; Has not been previously published as pathogenic or benign to our knowledge

NM_003491.4(NAA10):c.17C>A (p.Ala6Glu)

Genes: NAA10 (N-alpha-acetyltransferase 10, NatA catalytic subunit; minus strand), LOC130068840 (ATAC-STARR-seq lymphoblastoid silent region 21075; plus strand). Cytogenetic location: Xq28.
Variant type: single nucleotide variant.
Coding change: c.17C>A on transcript NM_003491.4 (MANE Select); coding-DNA position 17, C replaced by A.
Protein change: p.Ala6Glu; replaces alanine 6 with glutamic acid.
Molecular consequence: missense variant.
Genome position (GRCh38, 1-based): chrX:153,934,888, G>T on the plus strand (C>A on the coding strand, the complement: NAA10 is on the minus strand). VCF-style: chrX-153934888-G-T. GRCh37 (hg19) VCF-style: chrX-153200341-G-T.
Other names: c.17C>A, p.Ala6Glu (NM_001256119.2, NM_001256120.2); short protein forms A6E.
Identifiers: ClinVar variation 1712895 (VCV001712895.3), dbSNP rs1557108098, ClinGen allele CA415163195.